The following is an entry in ClinVar:

ClinVar aggregate classification (germline): Uncertain significance (1 of 4 stars; one submission).

Submission:

GeneDx
Classification: Uncertain significance. Last evaluated: 2024-06-19. Review status: criteria provided, single submitter. Criteria: GeneDx Variant Classification Process June 2021. Collection method: clinical testing. Allele origin: germline. Affected: yes.
Comment: Not observed at significant frequency in large population cohorts (gnomAD); In silico analysis supports that this missense variant has a deleterious effect on protein structure/function; Has not been previously published as pathogenic or benign to our knowledge

NM_002576.5(PAK1):c.1270A>G (p.Met424Val)

Gene: PAK1 (p21 (RAC1) activated kinase 1; minus strand). Cytogenetic location: 11q13.5.
Variant type: single nucleotide variant.
Coding change: c.1270A>G on transcript NM_002576.5 (MANE Select); coding-DNA position 1270, A replaced by G.
Protein change: p.Met424Val; replaces methionine 424 with valine.
Molecular consequence: missense variant. On other transcripts: non-coding transcript variant (2).
Genome position (GRCh38, 1-based): chr11:77,336,229, T>C on the plus strand (A>G on the coding strand, the complement: PAK1 is on the minus strand). VCF-style: chr11-77336229-T-C. GRCh37 (hg19) VCF-style: chr11-77047274-T-C.
Other names: c.1270A>G, p.Met424Val (NM_001128620.2, NM_001376268.1, NM_001376269.1 and 21 more transcripts); c.1291A>G, p.Met431Val (NM_001376272.1); c.1147A>G, p.Met383Val (NM_001376290.1, NM_001376291.1); c.1261A>G, p.Met421Val (NM_001376294.1); c.1093A>G, p.Met365Val (NM_001376295.1); c.1021A>G, p.Met341Val (NM_001376301.1); c.976A>G, p.Met326Val (NM_001376302.1, NM_001376304.1, NM_001376305.1); c.982A>G, p.Met328Val (NM_001376303.1); short protein forms M326V, M328V, M341V, M365V, M383V, M421V, M424V, M431V.
Identifiers: ClinVar variation 3391702 (VCV003391702.1).